The following is an entry in ClinVar:

ClinVar aggregate classification (germline): Conflicting classifications of pathogenicity. Review status: criteria provided, conflicting classifications (1 of 4 stars). 3 submissions from 3 submitters: Uncertain significance (2); Likely benign (1). Last evaluated 2025-12-01.

Conditions:
Van den Ende-Gupta syndrome (VDEGS). Also called: BLEPHAROPHIMOSIS, ARACHNODACTYLY, AND CONGENITAL CONTRACTURES. Identifiers: Orphanet 2460, MedGen C1833136, MONDO:0010959, OMIM 600920.

Allele frequency attached by ClinVar (database versions not stated): TOPMed 0.00002.
gnomAD v4.1: 90 of 1,584,510 alleles (0.0057%); highest among the groups gnomAD compares: African/African-American, 0.063%; 2 homozygotes.

Submissions (3):

CeGaT Center for Human Genetics Tuebingen
Classification: Likely benign. Last evaluated: 2025-12-01. Review status: criteria provided, single submitter. Criteria: CeGaT Center For Human Genetics Tuebingen Variant Classification Criteria Version 2. Collection method: clinical testing. Allele origin: germline. Affected: yes. Observed: 2 variant alleles.
Comment: SCARF2: BS2

Genetic Services Laboratory, University of Chicago
Classification: Uncertain significance. Last evaluated: 2021-12-10. Review status: criteria provided, single submitter. Criteria: ACMG Guidelines, 2015. Collection method: clinical testing. Allele origin: germline. Affected: no.
Comment: The second sequence change, c.1993G>T, is in exon 11 and results in an amino acid change, p.Ala665Ser. This sequence change has been described in the gnomAD database with a frequency of 0.004% in the non-Finnish European subpopulation (dbSNP rs150746534). The p.Ala665Ser change affects a moderately conserved amino acid residue located in a domain of the SCARF2 protein that is not known to be functional. The p.Ala665Ser substitution appears to be benign using several in-silico pathogenicity prediction tools (SIFT, Align GVGD, REVEL). This sequence change does not appear to have been previously described in individuals with SCARF2-related disorders. Due to insufficient evidence and the lack of functional studies, the clinical significance of the p.Ala665Ser change remains unknown at this time.

Baylor Genetics
Classification: Uncertain significance for Van den Ende-Gupta syndrome. Last evaluated: 2019-11-25. Review status: criteria provided, single submitter. Criteria: ACMG Guidelines, 2015. Collection method: clinical testing. Allele origin: unknown. Affected: yes.
Comment: This variant was determined to be of uncertain significance according to ACMG Guidelines, 2015 [PMID:25741868].

NM_182895.5(SCARF2):c.1978G>T (p.Ala660Ser)

Gene: SCARF2 (scavenger receptor class F member 2; minus strand). Cytogenetic location: 22q11.21.
Variant type: single nucleotide variant.
Coding change: c.1978G>T on transcript NM_182895.5 (MANE Select); coding-DNA position 1978, G replaced by T.
Protein change: p.Ala660Ser; replaces alanine 660 with serine.
Molecular consequence: missense variant.
Genome position (GRCh38, 1-based): chr22:20,425,998, C>A on the plus strand (G>T on the coding strand, the complement: SCARF2 is on the minus strand). VCF-style: chr22-20425998-C-A. GRCh37 (hg19) VCF-style: chr22-20780285-C-A.
Other names: c.1993G>T, p.Ala665Ser (NM_153334.7); short protein forms A665S, A660S.
Identifiers: ClinVar variation 1029236 (VCV001029236.15), dbSNP rs150746534, ClinGen allele CA10112255.
Genomic context (GRCh38, chr22:20,425,998, plus strand): 5'-CACGGCCAGCTGCAGCGGCGCTGTGCTTGCCGTGGATCCAGGACACCTTAGGCTTGGTGG[C>A]GGGGTCAGGTGGCGGCGGTTTCCTGCGCTCGGGCGATGGCGACAGCGACAGGCCCCCAAT-3'
Protein context (NP_878315.2, residues 650-670): ERRKPPPPDP[Ala660Ser]TKPKVSWIHG